The following is an entry in ClinVar:

NM_004667.6(HERC2):c.1731C>T (p.Arg577=)

Gene: HERC2 (HECT and RLD domain containing E3 ubiquitin protein ligase 2; minus strand). Cytogenetic location: 15q13.1.
Variant type: single nucleotide variant.
Coding change: c.1731C>T on transcript NM_004667.6 (MANE Select); coding-DNA position 1731, C replaced by T.
Protein change: p.Arg577=; no amino-acid change (arginine 577 retained).
Molecular consequence: synonymous variant.
Genome position (GRCh38, 1-based): chr15:28,265,842, G>A on the plus strand (C>T on the coding strand, the complement: HERC2 is on the minus strand). VCF-style: chr15-28265842-G-A. GRCh37 (hg19) VCF-style: chr15-28510988-G-A.
Identifiers: ClinVar variation 3052736 (VCV003052736.2), dbSNP rs138275638, ClinGen allele CA7443369.

ClinVar aggregate classification (germline): Likely benign (0 of 4 stars; one submission).

Conditions:
HERC2-related disorder. Also called: HERC2-related condition.

Allele frequency attached by ClinVar (database versions not stated): gnomAD exomes 0.00003; ExAC 0.00012; gnomAD 0.00031; TOPMed 0.00033; ESP Exome Variant Server 0.00046; 1000 Genomes Project 30x 0.00047; 1000 Genomes Project 0.00060.
gnomAD v4.1: 89 of 1,614,142 alleles (0.0055%); highest among the groups gnomAD compares: African/African-American, 0.079%; no homozygotes.

Submission:

PreventionGenetics, part of Exact Sciences
Classification: Likely benign for HERC2-related condition. Last evaluated: 2019-08-27. Review status: no assertion criteria provided. Collection method: clinical testing. Allele origin: germline.
Comment: This variant is classified as likely benign based on ACMG/AMP sequence variant interpretation guidelines (Richards et al. 2015 PMID: 25741868, with internal and published modifications).